The following is an entry in ClinVar:

NM_014003.4(DHX38):c.3116G>A (p.Arg1039Gln)

Genes: DHX38 (DEAH-box helicase 38; plus strand), LOC126862391 (CDK7 strongly-dependent group 2 enhancer GRCh37_chr16:72141414-72142613; plus strand). Cytogenetic location: 16q22.2.
Variant type: single nucleotide variant.
Coding change: c.3116G>A on transcript NM_014003.4 (MANE Select); coding-DNA position 3116, G replaced by A.
Protein change: p.Arg1039Gln; replaces arginine 1039 with glutamine.
Molecular consequence: missense variant.
Genome position (GRCh38, 1-based): chr16:72,108,378, G>A. VCF-style: chr16-72108378-G-A. GRCh37 (hg19) VCF-style: chr16-72142277-G-A.
Other names: c.3116G>A (NM_014003.3); short protein forms R1039Q.
Identifiers: ClinVar variation 2092363 (VCV002092363.5), dbSNP rs748758426, ClinGen allele CA8160867.
Genomic context (GRCh38, chr16:72,108,378, plus strand): 5'-AGAACAATAATTACTCCACCATCTGGTGTAACGATCATTTCATCCATGCTAAGGCCATGC[G>A]GAAGGTAGAGTGGTGGATGAGCAGGATGTTGGGATGAGGGGAGGGTCGAGAGGAAAGGAG-3'
Protein context (NP_054722.2, residues 1029-1049): NDHFIHAKAM[Arg1039Gln]KVREVRAQLK

ClinVar aggregate classification (germline): Uncertain significance. Review status: criteria provided, multiple submitters, no conflicts (2 of 4 stars). 2 submissions from 2 submitters: Uncertain significance (2). Last evaluated 2024-02-17.

Allele frequency attached by ClinVar (database versions not stated): gnomAD 0.00001; gnomAD exomes 0.00001; TOPMed 0.00001; ExAC 0.00002.
gnomAD v4.1: 13 of 1,614,026 alleles (0.00081%); highest among the groups gnomAD compares: Non-Finnish European, 0.0011%; no homozygotes.

Submissions (2):

Ambry Genetics
Classification: Uncertain significance. Last evaluated: 2024-02-17. Review status: criteria provided, single submitter. Criteria: Ambry Variant Classification Scheme 2023. Collection method: clinical testing. Allele origin: germline.

Labcorp Genetics (formerly Invitae), Labcorp
Classification: Uncertain significance. Last evaluated: 2022-03-11. Review status: criteria provided, single submitter. Criteria: Invitae Variant Classification Sherloc (09022015). Collection method: clinical testing. Allele origin: germline.
Comment: In summary, the available evidence is currently insufficient to determine the role of this variant in disease. Therefore, it has been classified as a Variant of Uncertain Significance. Algorithms developed to predict the effect of missense changes on protein structure and function (SIFT, PolyPhen-2, Align-GVGD) all suggest that this variant is likely to be disruptive. This variant has not been reported in the literature in individuals affected with DHX38-related conditions. This variant is present in population databases (rs748758426, gnomAD 0.004%). This sequence change replaces arginine, which is basic and polar, with glutamine, which is neutral and polar, at codon 1039 of the DHX38 protein (p.Arg1039Gln).